The following is an entry in ClinVar:

ClinVar aggregate classification (germline): Uncertain significance (1 of 4 stars; one submission).

Submission:

Labcorp Genetics (formerly Invitae), Labcorp
Classification: Uncertain significance. Last evaluated: 2025-04-03. Review status: criteria provided, single submitter. Criteria: Invitae Variant Classification Sherloc (09022015). Collection method: clinical testing. Allele origin: germline.
Comment: This sequence change replaces leucine, which is neutral and non-polar, with serine, which is neutral and polar, at codon 80 of the PROM1 protein (p.Leu80Ser). This variant is not present in population databases (gnomAD no frequency). This variant has not been reported in the literature in individuals affected with PROM1-related conditions. Invitae Evidence Modeling of protein sequence and biophysical properties (such as structural, functional, and spatial information, amino acid conservation, physicochemical variation, residue mobility, and thermodynamic stability) indicates that this missense variant is not expected to disrupt PROM1 protein function with a negative predictive value of 80%. In summary, the available evidence is currently insufficient to determine the role of this variant in disease. Therefore, it has been classified as a Variant of Uncertain Significance.

NM_006017.3(PROM1):c.239T>C (p.Leu80Ser)

Gene: PROM1 (prominin 1; minus strand). Cytogenetic location: 4p15.32.
Variant type: single nucleotide variant.
Coding change: c.239T>C on transcript NM_006017.3 (MANE Select); coding-DNA position 239, T replaced by C.
Protein change: p.Leu80Ser; replaces leucine 80 with serine.
Molecular consequence: missense variant. On other transcripts: 5 prime UTR variant (1), non-coding transcript variant (1).
Genome position (GRCh38, 1-based): chr4:16,038,983, A>G on the plus strand (T>C on the coding strand, the complement: PROM1 is on the minus strand). VCF-style: chr4-16038983-A-G. GRCh37 (hg19) VCF-style: chr4-16040606-A-G.
Other names: c.239T>C, p.Leu80Ser (NM_001145847.2, NM_001145848.2, NM_001145849.2 and 12 more transcripts); c.-101T>C (NM_001441179.1); short protein forms L80S.
Identifiers: ClinVar variation 4740525 (VCV004740525.1).